The following is an entry in ClinVar:

NM_007208.4(MRPL3):c.93-2A>C

Gene: MRPL3 (mitochondrial ribosomal protein L3; minus strand). Cytogenetic location: 3q22.1.
Variant type: single nucleotide variant.
Coding change: c.93-2A>C on transcript NM_007208.4 (MANE Select); the canonical splice acceptor site of the intron before coding-DNA position 93, A replaced by C.
Molecular consequence: splice acceptor variant.
Genome position (GRCh38, 1-based): chr3:131,501,717, T>G on the plus strand (A>C on the coding strand, the complement: MRPL3 is on the minus strand). VCF-style: chr3-131501717-T-G. GRCh37 (hg19) VCF-style: chr3-131220561-T-G.
Identifiers: ClinVar variation 3067933 (VCV003067933.2), dbSNP rs749424539, ClinGen allele CA2617232.

ClinVar aggregate classification (germline): Conflicting classifications of pathogenicity. Review status: criteria provided, conflicting classifications (1 of 4 stars). 2 submissions from 2 submitters: Likely pathogenic (1); Uncertain significance (1). Last evaluated 2026-08-06.

Conditions:
Combined oxidative phosphorylation defect type 9. Identifiers: Orphanet 319509, MedGen C4706315, MONDO:0013811, OMIM 614582.

Allele frequency attached by ClinVar (database versions not stated): ExAC 0.00001.
gnomAD v4.1: 4 of 1,598,780 alleles (0.00025%); highest among the groups gnomAD compares: Non-Finnish European, 0.00034%; no homozygotes.

Submissions (2):

OLLIN Analises Genomicas, OLLIN
Classification: Uncertain significance for Combined oxidative phosphorylation defect type 9. Last evaluated: 2026-08-06. Review status: criteria provided, single submitter. Criteria: ACMG Guidelines 2015 PMID 25741868. Collection method: clinical testing. Allele origin: germline.
Comment: This variant, located at the canonical splicing site (splice acceptor), has been reported in ClinVar (accession VCV003067933.1) and in gnomAD with an allele frequency of 0.00025%. However, to our knowledge, it has not been reported in the scientific literature. This variant is predicted to disrupt a canonical splice site, potentially leading to exon skipping, mRNA degradation via nonsense-mediated decay (NMD), or production of a truncated protein. According to the currently available evidence, this variant has been classified as uncertain significance (PVS1_S, PM2_P).

Genomic Medicine Center of Excellence, King Faisal Specialist Hospital and Research Centre
Classification: Likely pathogenic for Combined oxidative phosphorylation defect type 9. Last evaluated: 2024-04-04. Review status: criteria provided, single submitter. Criteria: ACMG Guidelines, 2015. Collection method: clinical testing. Allele origin: germline.